The following is an entry in ClinVar:

NM_153460.4(IL17RC):c.105+74C>T

Gene: IL17RC (interleukin 17 receptor C; plus strand). Cytogenetic location: 3p25.3.
Variant type: single nucleotide variant.
Coding change: c.105+74C>T on transcript NM_153460.4 (MANE Select); 74 bases into the intron after coding-DNA position 105, C replaced by T.
Molecular consequence: intron variant. On other transcripts: missense variant (1).
Genome position (GRCh38, 1-based): chr3:9,917,494, C>T. VCF-style: chr3-9917494-C-T. GRCh37 (hg19) VCF-style: chr3-9959178-C-T.
Other names: c.105+74C>T (NM_001367279.1, NM_001203263.2, NM_001203264.2 and 5 more transcripts); c.179C>T, p.Ala60Val (NM_153461.4); short protein forms A60V.
Identifiers: ClinVar variation 3693551 (VCV003693551.2).

ClinVar aggregate classification (germline): Uncertain significance (1 of 4 stars; one submission).

Conditions:
Candidiasis, familial, 9 (CANDF9). Identifiers: Orphanet 1334, MedGen C4225324, MONDO:0014642, OMIM 616445.

gnomAD v4.1: 3 of 1,614,070 alleles (0.00019%); highest among the groups gnomAD compares: African/African-American, 0.0027%; no homozygotes.

Submission:

Labcorp Genetics (formerly Invitae), Labcorp
Classification: Uncertain significance for Candidiasis, familial, 9. Last evaluated: 2025-01-28. Review status: criteria provided, single submitter. Criteria: Invitae Variant Classification Sherloc (09022015). Collection method: clinical testing. Allele origin: germline.
Comment: This sequence change replaces alanine, which is neutral and non-polar, with valine, which is neutral and non-polar, at codon 60 of the IL17RC protein (p.Ala60Val). This variant is present in population databases (no rsID available, gnomAD 0.003%). This variant has not been reported in the literature in individuals affected with IL17RC-related conditions. An algorithm developed to predict the effect of missense changes on protein structure and function outputs the following: PolyPhen-2: "Possibly Damaging". The valine amino acid residue is found in multiple mammalian species, which suggests that this missense change does not adversely affect protein function. In summary, the available evidence is currently insufficient to determine the role of this variant in disease. Therefore, it has been classified as a Variant of Uncertain Significance.